The following is an entry in ClinVar:

ClinVar aggregate classification (germline): Uncertain significance (1 of 4 stars; one submission).

Conditions:
Incidental Discovery. Identifiers: MedGen C1135954.

Submission:

Clinical Genetics Laboratory, Skane University Hospital Lund
Classification: Uncertain significance for Incidental Discovery. Last evaluated: 2025-06-24. Review status: criteria provided, single submitter. Criteria: ACMG Guidelines, 2015. Collection method: clinical testing. Allele origin: germline.
Comment: ACMG criteria applied: PM2, PP3

NM_031407.7(HUWE1):c.-163+3A>G

Gene: HUWE1 (HECT, UBA and WWE domain containing E3 ubiquitin protein ligase 1; minus strand). Cytogenetic location: Xp11.22.
Variant type: single nucleotide variant.
Coding change: c.-163+3A>G on transcript NM_031407.7 (MANE Select); 3 bases into the intron after 163 bases upstream of the start codon, A replaced by G.
Molecular consequence: intron variant.
Genome position (GRCh38, 1-based): chrX:53,686,267, T>C on the plus strand (A>G on the coding strand, the complement: HUWE1 is on the minus strand). VCF-style: chrX-53686267-T-C. GRCh37 (hg19) VCF-style: chrX-53713212-T-C.
Identifiers: ClinVar variation 3906248 (VCV003906248.1).